The following is an entry in ClinVar:

NM_006642.5(SDCCAG8):c.1343T>G (p.Met448Arg)

Gene: SDCCAG8 (SHH signaling and ciliogenesis regulator SDCCAG8; plus strand). Cytogenetic location: 1q43.
Variant type: single nucleotide variant.
Coding change: c.1343T>G on transcript NM_006642.5 (MANE Select); coding-DNA position 1343, T replaced by G.
Protein change: p.Met448Arg; replaces methionine 448 with arginine.
Molecular consequence: missense variant.
Genome position (GRCh38, 1-based): chr1:243,341,160, T>G. VCF-style: chr1-243341160-T-G. GRCh37 (hg19) VCF-style: chr1-243504462-T-G.
Other names: c.440T>G, p.Met147Arg (NM_001350246.2, NM_001350247.2, NM_001350251.2); c.1439T>G, p.Met480Arg (NM_001350248.2); c.1049T>G, p.Met350Arg (NM_001350249.2); short protein forms M480R, M147R, M350R, M448R.
Identifiers: ClinVar variation 1488835 (VCV001488835.6), dbSNP rs1015302300, ClinGen allele CA40430750.
Genomic context (GRCh38, chr1:243,341,160, plus strand): 5'-AAAAGATTTCAGCTATTAATCAACTGGAGGAAATTCAAAGCCAGCTGGCTTCTCGGGAAA[T>G]GGATGTCACAAAGGTACAGAAAGAGATTTTAGTGTAATCGTTACTTAAGGAAATATTTCC-3'
Protein context (NP_006633.1, residues 438-458): EIQSQLASRE[Met448Arg]DVTKVCGEMR

ClinVar aggregate classification (germline): Uncertain significance (1 of 4 stars; one submission).

Conditions:
Senior-Loken syndrome 7 (SLSN7). Identifiers: Orphanet 3156, MedGen C3150877, MONDO:0013326, OMIM 613615.
Bardet-Biedl syndrome 16 (BBS16). Identifiers: Orphanet 110, MedGen C3889474, MONDO:0014444, OMIM 615993.

Allele frequency attached by ClinVar (database versions not stated): gnomAD exomes below 0.00001.
gnomAD v4.1: 7 of 1,614,028 alleles (0.00043%); highest among the groups gnomAD compares: Admixed American, 0.0017%; no homozygotes.

Submission:

Labcorp Genetics (formerly Invitae), Labcorp
Classification: Uncertain significance for Bardet-Biedl syndrome 16; Senior-Loken syndrome 7. Last evaluated: 2022-08-16. Review status: criteria provided, single submitter. Criteria: Invitae Variant Classification Sherloc (09022015). Collection method: clinical testing. Allele origin: germline.
Comment: In summary, the available evidence is currently insufficient to determine the role of this variant in disease. Therefore, it has been classified as a Variant of Uncertain Significance. Algorithms developed to predict the effect of sequence changes on RNA splicing suggest that this variant may create or strengthen a splice site. Algorithms developed to predict the effect of missense changes on protein structure and function (SIFT, PolyPhen-2, Align-GVGD) all suggest that this variant is likely to be tolerated. ClinVar contains an entry for this variant (Variation ID: 1488835). This variant has not been reported in the literature in individuals affected with SDCCAG8-related conditions. This variant is present in population databases (no rsID available, gnomAD 0.003%). This sequence change replaces methionine, which is neutral and non-polar, with arginine, which is basic and polar, at codon 448 of the SDCCAG8 protein (p.Met448Arg).